The following is an entry in ClinVar:

NM_000088.4(COL1A1):c.2236-3T>C

Gene: COL1A1 (collagen type I alpha 1 chain; minus strand). Cytogenetic location: 17q21.33.
Variant type: single nucleotide variant.
Coding change: c.2236-3T>C on transcript NM_000088.4 (MANE Select); 3 bases into the intron before coding-DNA position 2236, T replaced by C.
Molecular consequence: intron variant.
Genome position (GRCh38, 1-based): chr17:50,190,927, A>G on the plus strand (T>C on the coding strand, the complement: COL1A1 is on the minus strand). VCF-style: chr17-50190927-A-G. GRCh37 (hg19) VCF-style: chr17-48268288-A-G.
Other names: c.2236-3T>C (NM_000088.3).
Identifiers: ClinVar variation 2902058 (VCV002902058.6), dbSNP rs757714964, ClinGen allele CA8644885.
Genomic context (GRCh38, chr17:50,190,927, plus strand): 5'-GACCACGGACGCCATCTTTGCCAGGAGAGCCATCAGCACCTTTGGGACCAGCATCACCCT[A>G]AAGACATGGATAAGCTTGAGATTTCCAGTGTGGGGCAAGGAGGTGACCTATAGTGTTCTG-3'

ClinVar aggregate classification (germline): Conflicting classifications of pathogenicity. Review status: criteria provided, conflicting classifications (1 of 4 stars). 4 submissions from 4 submitters: Uncertain significance (1); Benign (2); Likely benign (1). Last evaluated 2026-02-25.

Conditions:
Cardiovascular phenotype. Identifiers: MedGen CN230736.
COL1A1-related disorder. Also called: COL1A1- related disease; COL1A1-related condition.
Osteogenesis imperfecta type I (OI1). Also called: OI, TYPE I; OSTEOGENESIS IMPERFECTA TARDA; OSTEOGENESIS IMPERFECTA WITH BLUE SCLERAE; Osteogenesis imperfecta type 1; Lobstein's Disease; Lobstein disease. Identifiers: Orphanet 216796, Orphanet 666, MedGen C0023931, MONDO:0008146, OMIM 166200. Disease mechanism: loss of function.

Allele frequency attached by ClinVar (database versions not stated): gnomAD 0.00002; gnomAD exomes 0.00002; ExAC 0.00006; TOPMed 0.00006.
gnomAD v4.1: 27 of 1,613,578 alleles (0.0017%); highest among the groups gnomAD compares: Admixed American, 0.043%; no homozygotes.

Submissions (4):

Ambry Genetics
Classification: Benign for Cardiovascular phenotype. Last evaluated: 2026-02-25. Review status: criteria provided, single submitter. Criteria: Ambry Variant Classification Scheme 2023. Collection method: clinical testing. Allele origin: germline.

Labcorp Genetics (formerly Invitae), Labcorp
Classification: Uncertain significance for Osteogenesis imperfecta type I. Last evaluated: 2026-01-18. Review status: criteria provided, single submitter. Criteria: Invitae Variant Classification Sherloc (09022015). Collection method: clinical testing. Allele origin: germline.
Comment: This sequence change falls in intron 32 of the COL1A1 gene. It does not directly change the encoded amino acid sequence of the COL1A1 protein. It affects a nucleotide within the consensus splice site. This variant is present in population databases (rs757714964, gnomAD 0.06%), and has an allele count higher than expected for a pathogenic variant. This variant has not been reported in the literature in individuals affected with COL1A1-related conditions. ClinVar contains an entry for this variant (Variation ID: 2902058). Variants that disrupt the consensus splice site are a relatively common cause of aberrant splicing (PMID: 17576681, 9536098). Algorithms developed to predict the effect of sequence changes on RNA splicing suggest that this variant is not likely to affect RNA splicing. In summary, the available evidence is currently insufficient to determine the role of this variant in disease. Therefore, it has been classified as a Variant of Uncertain Significance.

PreventionGenetics, part of Exact Sciences
Classification: Likely benign for COL1A1-related condition. Last evaluated: 2025-08-12. Review status: criteria provided, single submitter. Criteria: ACMG Guidelines, 2015. Collection method: clinical testing. Allele origin: germline.
Comment: This variant is classified as likely benign based on ACMG/AMP sequence variant interpretation guidelines (Richards et al. 2015 PMID: 25741868, with internal and published modifications).

Women's Health and Genetics/Laboratory Corporation of America, LabCorp
Classification: Benign. Last evaluated: 2024-12-10. Review status: criteria provided, single submitter. Criteria: LabCorp Variant Classification Summary - May 2015. Collection method: clinical testing. Allele origin: germline.
Comment: Variant summary: COL1A1 c.2236-3T>C alters a nucleotide located close to a canonical splice site and therefore could affect mRNA splicing, leading to a significantly altered protein sequence. Consensus agreement among computation tools predict no significant impact on normal splicing. However, these predictions have yet to be confirmed by functional studies. The variant allele was found at a frequency of 8.4e-05 in 251150 control chromosomes. The observed variant frequency is approximately 3 fold of the estimated maximal expected allele frequency for a pathogenic variant in COL1A1 causing Osteogenesis Imperfecta phenotype (2.8e-05). To our knowledge, no occurrence of c.2236-3T>C in individuals affected with Osteogenesis Imperfecta and no experimental evidence demonstrating its impact on protein function have been reported. ClinVar contains an entry for this variant (Variation ID: 2902058). Based on the evidence outlined above, the variant was classified as benign.

Literature cited by the submitters: PubMed 17576681 (cited by Labcorp Genetics (formerly Invitae), Labcorp); PubMed 9536098 (cited by Labcorp Genetics (formerly Invitae), Labcorp).